The following is an entry in ClinVar:

ClinVar aggregate classification (germline): Uncertain significance (1 of 4 stars; one submission).

Conditions:
Hereditary cancer-predisposing syndrome. Also called: Neoplastic Syndromes, Hereditary; Tumor predisposition; Hereditary Cancer Syndrome; Hereditary neoplastic syndrome. Identifiers: Orphanet 140162, MedGen C0027672, MeSH D009386, MONDO:0015356.

gnomAD v4.1: 1 of 1,613,222 alleles (0.000062%); highest among the groups gnomAD compares: Non-Finnish European, 0.000085%; no homozygotes.

Submission:

Ambry Genetics
Classification: Uncertain significance for Hereditary cancer-predisposing syndrome. Last evaluated: 2024-09-15. Review status: criteria provided, single submitter. Criteria: Ambry Variant Classification Scheme 2023. Collection method: clinical testing. Allele origin: germline.
Comment: The p.V735L variant (also known as c.2203G>T), located in coding exon 17 of the POLD1 gene, results from a G to T substitution at nucleotide position 2203. The valine at codon 735 is replaced by leucine, an amino acid with highly similar properties. This amino acid position is conserved. In addition, the in silico prediction for this alteration is inconclusive. Based on the available evidence, the clinical significance of this variant remains unclear.

NM_002691.4(POLD1):c.2203G>T (p.Val735Leu)

Gene: POLD1 (DNA polymerase delta 1, catalytic subunit; plus strand). Cytogenetic location: 19q13.33.
Variant type: single nucleotide variant.
Coding change: c.2203G>T on transcript NM_002691.4 (MANE Select); coding-DNA position 2203, G replaced by T.
Protein change: p.Val735Leu; replaces valine 735 with leucine.
Molecular consequence: missense variant. On other transcripts: non-coding transcript variant (1).
Genome position (GRCh38, 1-based): chr19:50,413,474, G>T. VCF-style: chr19-50413474-G-T. GRCh37 (hg19) VCF-style: chr19-50916731-G-T.
Other names: c.2203G>T, p.Val735Leu (NM_001256849.1); c.2281G>T, p.Val761Leu (NM_001308632.1); short protein forms V735L, V761L.
Identifiers: ClinVar variation 3421985 (VCV003421985.1).
Genomic context (GRCh38, chr19:50,413,474, plus strand): 5'-TCTCCCCGACAGAGCGTCACGGGGTTCGGACGTCAGATGATCGAGAAAACCAAGCAGCTG[G>T]TGGAGTCTAAGTACACAGTGGAGAATGGCTACAGCACCAGTGCCAAGGTCGGGGGCTGCC-3'
Protein context (NP_002682.2, residues 725-745): RQMIEKTKQL[Val735Leu]ESKYTVENGY